The following is an entry in ClinVar:

ClinVar aggregate classification (germline): Pathogenic (1 of 4 stars; one submission).

Submission:

CeGaT Center for Human Genetics Tuebingen
Classification: Pathogenic. Last evaluated: 2025-08-01. Review status: criteria provided, single submitter. Criteria: CeGaT Center For Human Genetics Tuebingen Variant Classification Criteria Version 2. Collection method: clinical testing. Allele origin: germline. Affected: yes. Observed: 1 variant allele.
Comment: DLG4: PVS1, PM2

NM_001321075.3(DLG4):c.765T>A (p.Tyr255Ter)

Gene: DLG4 (discs large MAGUK scaffold protein 4; minus strand). Cytogenetic location: 17p13.1.
Variant type: single nucleotide variant.
Coding change: c.765T>A on transcript NM_001321075.3 (MANE Select); coding-DNA position 765, T replaced by A.
Protein change: p.Tyr255Ter; replaces tyrosine 255 with a stop codon.
Molecular consequence: nonsense. On other transcripts: non-coding transcript variant (1).
Genome position (GRCh38, 1-based): chr17:7,202,925, A>T on the plus strand (T>A on the coding strand, the complement: DLG4 is on the minus strand). VCF-style: chr17-7202925-A-T. GRCh37 (hg19) VCF-style: chr17-7106244-A-T.
Other names: c.756T>A, p.Tyr252Ter (NM_001128827.4); c.885T>A, p.Tyr295Ter (NM_001321074.1); c.585T>A, p.Tyr195Ter (NM_001321076.3, NM_001321077.3); c.894T>A, p.Tyr298Ter (NM_001365.5); c.684T>A, p.Tyr228Ter (NM_001369566.3); short protein forms Y195*, Y228*, Y252*, Y255*, Y295*, Y298*.
Identifiers: ClinVar variation 4085876 (VCV004085876.8).
Genomic context (GRCh38, chr17:7,202,925, plus strand): 5'-TGGGTCATGGGGAACTTTGGTGTTTGAAGGGCTCTCACAGGTTGTGATGTCTGGGGGAGC[A>T]TAGCTGTCACTCAGGTAGGCATTGCTGGGCTTGGCCACCTTTAGGTAGACAACATCATAC-3'